The following is an entry in ClinVar:

ClinVar aggregate classification (germline): Uncertain significance (1 of 4 stars; one submission).

Conditions:
Hereditary cancer-predisposing syndrome. Also called: Tumor predisposition; Hereditary Cancer Syndrome; Neoplastic Syndromes, Hereditary; Hereditary neoplastic syndrome. Identifiers: Orphanet 140162, MedGen C0027672, MeSH D009386, MONDO:0015356.

Allele frequency attached by ClinVar (database versions not stated): gnomAD exomes below 0.00001.
gnomAD v4.1: 1 of 1,614,036 alleles (0.000062%); highest among the groups gnomAD compares: Non-Finnish European, 0.000085%; no homozygotes.

Submission:

Ambry Genetics
Classification: Uncertain significance for Hereditary cancer-predisposing syndrome. Last evaluated: 2018-06-29. Review status: criteria provided, single submitter. Criteria: Ambry Variant Classification Scheme 2023. Collection method: clinical testing. Allele origin: germline.
Comment: The p.Q958P variant (also known as c.2873A>C), located in coding exon 4 of the MSH6 gene, results from an A to C substitution at nucleotide position 2873. The glutamine at codon 958 is replaced by proline, an amino acid with similar properties. This amino acid position is highly conserved in available vertebrate species. In addition, this alteration is predicted to be deleterious by in silico analysis. Since supporting evidence is limited at this time, the clinical significance of this alteration remains unclear.

NM_000179.3(MSH6):c.2873A>C (p.Gln958Pro)

Gene: MSH6 (mutS homolog 6; plus strand). Cytogenetic location: 2p16.3.
Variant type: single nucleotide variant.
Coding change: c.2873A>C on transcript NM_000179.3 (MANE Select); coding-DNA position 2873, A replaced by C.
Protein change: p.Gln958Pro; replaces glutamine 958 with proline.
Molecular consequence: missense variant.
Genome position (GRCh38, 1-based): chr2:47,800,856, A>C. VCF-style: chr2-47800856-A-C. GRCh37 (hg19) VCF-style: chr2-48027995-A-C.
Other names: c.2483A>C, p.Gln828Pro (NM_001281492.2); c.1967A>C, p.Gln656Pro (NM_001281493.2, NM_001281494.2); short protein forms Q656P, Q828P, Q958P.
Identifiers: ClinVar variation 821938 (VCV000821938.4), dbSNP rs876660185, ClinGen allele CA346755996.